The following is an entry in ClinVar:

NM_001378743.1(CYLD):c.*2369G>A

Genes: CYLD (CYLD lysine 63 deubiquitinase; plus strand), CYLD-AS2 (CYLD antisense RNA 2; minus strand). Cytogenetic location: 16q12.1.
Variant type: single nucleotide variant.
Coding change: c.*2369G>A on transcript NM_001378743.1 (MANE Select); 2369 bases downstream of the stop codon, G replaced by A.
Molecular consequence: 3 prime UTR variant. On other transcripts: non-coding transcript variant (1).
Genome position (GRCh38, 1-based): chr16:50,798,877, G>A. VCF-style: chr16-50798877-G-A. GRCh37 (hg19) VCF-style: chr16-50832788-G-A.
Other names: c.*2369G>A (NM_001042355.2, NM_001042412.3, NM_001378744.1 and 12 more transcripts).
Identifiers: ClinVar variation 319538 (VCV000319538.5), dbSNP rs16948829, ClinGen allele CA10648518.
Genomic context (GRCh38, chr16:50,798,877, plus strand): 5'-TCTTCTTCAGGTGGAGCTTGACGTCTTTTTAATGTTACTTGGGGAGGGAGTGCTCATTAA[G>A]GGATGCCAGGGCCAGCTCTGGTGGTTCCTGGGGAGGCTGCGTCCTTCCCTGCTTCTGCAT-3'

ClinVar aggregate classification (germline): Benign. Review status: criteria provided, single submitter (1 of 4 stars). 3 submissions from 1 submitter: Benign (3). Last evaluated 2018-01-12.

Conditions:
Familial multiple trichoepitheliomata. Also called: Familial multiple trichoepithelioma. Identifiers: Orphanet 79493, Orphanet 867, MedGen C1275122, MONDO:0011114.
Brooke-Spiegler syndrome. Also called: CYLD Cutaneous Syndrome. Identifiers: Orphanet 79493, MedGen C1857941, MONDO:0011512, OMIM 605041.
Familial cylindromatosis. Also called: Turban tumor syndrome; ANCELL-SPIEGLER CYLINDROMAS. Identifiers: Orphanet 211, Orphanet 79493, MedGen C1851526, MONDO:0007565, OMIM 132700.

Allele frequency attached by ClinVar (database versions not stated): gnomAD exomes 0.00239; gnomAD 0.01313 and 0.01401; 1000 Genomes Project 0.01458; TOPMed 0.01466; 1000 Genomes Project 30x 0.01640.
gnomAD v4.1: 2,179 of 233,354 alleles (0.93%); highest among the groups gnomAD compares: African/African-American, 4.5%; 53 homozygotes.

Submissions (3):

Illumina Laboratory Services, Illumina
Classification: Benign for Trichoepithelioma, multiple familial, 1. Last evaluated: 2018-01-12. Review status: criteria provided, single submitter. Criteria: ICSL Variant Classification Criteria 13 December 2019. Collection method: clinical testing. Allele origin: germline.
Comment: This variant was observed in the ICSL laboratory as part of a predisposition screen in an ostensibly healthy population. It had not been previously curated by ICSL or reported in the Human Gene Mutation Database (HGMD: prior to June 1st, 2018), and was therefore a candidate for classification through an automated scoring system. Utilizing variant allele frequency, disease prevalence and penetrance estimates, and inheritance mode, an automated score was calculated to assess if this variant is too frequent to cause the disease. Based on the score and internal cut-off values, a variant classified as benign is not then subjected to further curation. The score for this variant resulted in a classification of benign for this disease.

Illumina Laboratory Services, Illumina
Classification: Benign for Brooke-Spiegler syndrome. Last evaluated: 2018-01-12. Review status: criteria provided, single submitter. Criteria: ICSL Variant Classification Criteria 13 December 2019. Collection method: clinical testing. Allele origin: germline.
Comment: the same text as in the submission from Illumina Laboratory Services, Illumina above.

Illumina Laboratory Services, Illumina
Classification: Benign for Familial cylindromatosis. Last evaluated: 2018-01-12. Review status: criteria provided, single submitter. Criteria: ICSL Variant Classification Criteria 13 December 2019. Collection method: clinical testing. Allele origin: germline.
Comment: the same text as in the submission from Illumina Laboratory Services, Illumina above.